The following is an entry in ClinVar:

NM_001166108.2(PALLD):c.1965-12822C>T

Gene: PALLD (palladin, cytoskeletal associated protein; plus strand). Cytogenetic location: 4q32.3.
Variant type: single nucleotide variant.
Coding change: c.1965-12822C>T on transcript NM_001166108.2 (MANE Select); 12822 bases into the intron before coding-DNA position 1965, C replaced by T.
Molecular consequence: intron variant. On other transcripts: missense variant (1).
Genome position (GRCh38, 1-based): chr4:168,878,100, C>T. VCF-style: chr4-168878100-C-T. GRCh37 (hg19) VCF-style: chr4-169799251-C-T.
Other names: c.209C>T, p.Ala70Val (NM_001166110.2); c.1965-12822C>T (NM_016081.4); c.819-12822C>T (NM_001166109.2); c.-157-12822C>T (NM_001367570.1, NM_001367568.1, NM_001367567.1 and 1 more transcripts); short protein forms A70V.
Identifiers: ClinVar variation 4564156 (VCV004564156.1).

ClinVar aggregate classification (germline): Uncertain significance (1 of 4 stars; one submission).

Submission:

Ambry Genetics
Classification: Uncertain significance. Last evaluated: 2025-10-06. Review status: criteria provided, single submitter. Criteria: Ambry Variant Classification Scheme 2023. Collection method: clinical testing. Allele origin: germline.
Comment: The p.A70V variant (also known as c.209C>T), located in coding exon 1 of the PALLD gene, results from a C to T substitution at nucleotide position 209. The alanine at codon 70 is replaced by valine, an amino acid with similar properties. This amino acid position is conserved. In addition, this alteration is predicted to be tolerated by in silico analysis. Based on the available evidence, the clinical significance of this variant remains unclear.